The following is an entry in ClinVar:

NM_003803.4(MYOM1):c.2384+4A>T

Gene: MYOM1 (myomesin 1; minus strand). Cytogenetic location: 18p11.31.
Variant type: single nucleotide variant.
Coding change: c.2384+4A>T on transcript NM_003803.4 (MANE Select); 4 bases into the intron after coding-DNA position 2384, A replaced by T.
Molecular consequence: intron variant.
Genome position (GRCh38, 1-based): chr18:3,134,646, T>A on the plus strand (A>T on the coding strand, the complement: MYOM1 is on the minus strand). VCF-style: chr18-3134646-T-A. GRCh37 (hg19) VCF-style: chr18-3134644-T-A.
Other names: c.2384+4A>T (NM_019856.2).
Identifiers: ClinVar variation 226812 (VCV000226812.22), dbSNP rs73373171, ClinGen allele CA8874665.

ClinVar aggregate classification (germline): Conflicting classifications of pathogenicity. Review status: criteria provided, conflicting classifications (1 of 4 stars). 5 submissions from 5 submitters: Uncertain significance (1); Benign (2); Likely benign (1). 1 of the submissions does not count toward it. Last evaluated 2026-02-03.

Conditions:
MYOM1-related disorder.
Cardiovascular phenotype. Identifiers: MedGen CN230736.
Hypertrophic cardiomyopathy. Also called: HYPERTROPHIC MYOCARDIOPATHY. Identifiers: Orphanet 217569, MedGen C0007194, MeSH D002312, MONDO:0005045, HP:0001639.

Allele frequency attached by ClinVar (database versions not stated): gnomAD exomes 0.00026 and 0.00070; ExAC 0.00086; ESP Exome Variant Server 0.00256; gnomAD 0.00269 and 0.00286; 1000 Genomes Project 0.00280; TOPMed 0.00296; 1000 Genomes Project 30x 0.00375.
gnomAD v4.1: 793 of 1,607,898 alleles (0.049%); highest among the groups gnomAD compares: African/African-American, 0.97%; 4 homozygotes.

Submissions (9):

Labcorp Genetics (formerly Invitae), Labcorp
Classification: Benign for Hypertrophic cardiomyopathy. Last evaluated: 2026-02-03. Review status: criteria provided, single submitter. Criteria: Invitae Variant Classification Sherloc (09022015). Collection method: clinical testing. Allele origin: germline.

Laboratory for Molecular Medicine, Mass General Brigham Personalized Medicine
Classification: Benign. Last evaluated: 2015-06-10. Review status: criteria provided, single submitter. Criteria: LMM Criteria. Collection method: clinical testing. Allele origin: germline. Observed: 1 variant allele.
Comment: c.2384+4A>T in intron 16 of MYOM1: This variant is not expected to have clinical significance because it has been identified in 1.0% (98/9464) of African chromo somes by the Exome Aggregation Consortium (ExAC; dbSNP rs73373171).

Ambry Genetics
Classification: Likely benign for Cardiovascular phenotype. Last evaluated: 2013-04-25. Review status: criteria provided, single submitter. Criteria: Ambry Autosomal Dominant and X-Linked criteria (10/2015). Collection method: clinical testing. Allele origin: germline. Observed: 1 variant allele.
Comment: Does not segregate with disease in family study (genes with incomplete penetrance);Subpopulation frequency in support of benign classification

Stanford Center for Inherited Cardiovascular Disease, Stanford University
Classification: Uncertain significance. Last evaluated: 2013-01-07. Review status: criteria provided, single submitter. Criteria: ACMG Guidelines, 2015. Collection method: provider interpretation. Allele origin: germline.

PreventionGenetics, part of Exact Sciences
Classification: Benign for MYOM1-related condition. Last evaluated: 2019-05-06. Review status: no assertion criteria provided. Collection method: clinical testing. Allele origin: germline. Not counted in ClinVar's aggregate classification.
Comment: This variant is classified as benign based on ACMG/AMP sequence variant interpretation guidelines (Richards et al. 2015 PMID: 25741868, with internal and published modifications).

Dr. Peter K. Rogan Lab, Western University
No classification provided (evidence only). Condition: Cervical cancer. Review status: no classification provided. Collection method: in vitro. Allele origin: not applicable. Functional consequence: retained intron. Not counted in ClinVar's aggregate classification.

Dr. Peter K. Rogan Lab, Western University
No classification provided (evidence only). Condition: Thymoma. Review status: no classification provided. Collection method: in vitro. Allele origin: not applicable. Functional consequence: retained intron. Not counted in ClinVar's aggregate classification.

Dr. Peter K. Rogan Lab, Western University
No classification provided (evidence only). Condition: Thymoma. Review status: no classification provided. Collection method: in vitro. Allele origin: not applicable. Functional consequence: retained intron. Not counted in ClinVar's aggregate classification.

Dr. Peter K. Rogan Lab, Western University
No classification provided (evidence only). Condition: Uterine carcinosarcoma. Review status: no classification provided. Collection method: in vitro. Allele origin: not applicable. Functional consequence: retained intron. Not counted in ClinVar's aggregate classification.